The following is an entry in ClinVar:

ClinVar aggregate classification (germline): Conflicting classifications of pathogenicity. Review status: criteria provided, conflicting classifications (1 of 4 stars). 4 submissions from 4 submitters: Uncertain significance (1); Likely benign (3). Last evaluated 2025-12-21.

Conditions:
Long QT syndrome (LQTS). Identifiers: MedGen C0023976, MeSH D008133, MONDO:0002442. Disease mechanism: loss of function. Inheritance: Various modes of inheritance.
Cardiac arrhythmia, ankyrin-B-related. Also called: ANKYRIN-B SYNDROME. Identifiers: Orphanet 101016, Orphanet 768, MedGen C1970119, MONDO:0010958, OMIM 600919.

Allele frequency attached by ClinVar (database versions not stated): gnomAD exomes 0.00002 and 0.00005; gnomAD 0.00005 and 0.00006; TOPMed 0.00006; ExAC 0.00002.
gnomAD v4.1: 79 of 1,605,582 alleles (0.0049%); highest among the groups gnomAD compares: Non-Finnish European, 0.0062%; no homozygotes.

Submissions (4):

Labcorp Genetics (formerly Invitae), Labcorp
Classification: Likely benign for Long QT syndrome. Last evaluated: 2025-12-21. Review status: criteria provided, single submitter. Criteria: Invitae Variant Classification Sherloc (09022015). Collection method: clinical testing. Allele origin: germline.

Blueprint Genetics
Classification: Likely benign. Last evaluated: 2023-11-16. Review status: criteria provided, single submitter. Criteria: ACMG Guidelines, 2015. Collection method: clinical testing. Allele origin: germline.

Illumina Laboratory Services, Illumina
Classification: Uncertain significance for Cardiac arrhythmia, ankyrin-B-related. Last evaluated: 2018-01-12. Review status: criteria provided, single submitter. Criteria: ICSL Variant Classification Criteria 13 December 2019. Collection method: clinical testing. Allele origin: germline.

GeneDx
Classification: Likely benign. Last evaluated: 2017-10-24. Review status: criteria provided, single submitter. Criteria: GeneDx Variant Classification (06012015). Collection method: clinical testing. Allele origin: germline. Affected: yes.
Comment: This variant is considered likely benign or benign based on one or more of the following criteria: it is a conservative change, it occurs at a poorly conserved position in the protein, it is predicted to be benign by multiple in silico algorithms, and/or has population frequency not consistent with disease.

NM_001148.6(ANK2):c.1287+10T>C

Gene: ANK2 (ankyrin 2; plus strand). Cytogenetic location: 4q26.
Variant type: single nucleotide variant.
Coding change: c.1287+10T>C on transcript NM_001148.6 (MANE Select); 10 bases into the intron after coding-DNA position 1287, T replaced by C.
Molecular consequence: intron variant.
Genome position (GRCh38, 1-based): chr4:113,258,158, T>C. VCF-style: chr4-113258158-T-C. GRCh37 (hg19) VCF-style: chr4-114179314-T-C.
Other names: c.1275+10T>C (NM_001386186.2, NM_001386148.2); c.1176+2226T>C (NM_001354269.3); c.1251+10T>C (NM_001386187.2); c.1245+10T>C (NM_001386147.1, NM_001386160.1, NM_001354261.2); c.1224+10T>C (NM_001354254.2, NM_001354239.2, NM_001354252.2 and 14 more transcripts); c.1200+10T>C (NM_001354249.2, NM_001354266.2, NM_001354276.2 and 13 more transcripts); c.1101+2226T>C (NM_001386157.1, NM_001354277.2, NM_001386158.1); c.1332+10T>C (NM_001354241.2, NM_001386152.1, NM_001354237.2 and 5 more transcripts); and 4 more.
Identifiers: ClinVar variation 517834 (VCV000517834.12), dbSNP rs751370687, ClinGen allele CA3050236.